The following is an entry in ClinVar:

NM_001142800.2(EYS):c.7921A>T (p.Lys2641Ter)

Gene: EYS (EGF-like photoreceptor maintenance factor; minus strand). Cytogenetic location: 6q12.
Variant type: single nucleotide variant.
Coding change: c.7921A>T on transcript NM_001142800.2 (MANE Select); coding-DNA position 7921, A replaced by T.
Protein change: p.Lys2641Ter; replaces lysine 2641 with a stop codon.
Molecular consequence: nonsense.
Genome position (GRCh38, 1-based): chr6:63,762,611, T>A on the plus strand (A>T on the coding strand, the complement: EYS is on the minus strand). VCF-style: chr6-63762611-T-A. GRCh37 (hg19) VCF-style: chr6-64472504-T-A.
Other names: c.7921A>T, p.Lys2641Ter (NM_001292009.2); short protein forms K2641*.
Identifiers: ClinVar variation 2675272 (VCV002675272.4), dbSNP rs2533487026, ClinGen allele CA364390325.

ClinVar aggregate classification (germline): Pathogenic/Likely pathogenic. Review status: criteria provided, multiple submitters, no conflicts (2 of 4 stars). 3 submissions from 3 submitters: Pathogenic (2); Likely pathogenic (1). Last evaluated 2025-07-11.

Conditions:
Retinitis pigmentosa 25 (RP25). Identifiers: Orphanet 791, MedGen C1864446, MONDO:0011272, OMIM 602772.

Submissions (3):

Myriad Genetics, Inc.
Classification: Pathogenic for Retinitis pigmentosa 25. Last evaluated: 2025-07-11. Review status: criteria provided, single submitter. Criteria: Myriad Autosomal Dominant, Autosomal Recessive and X-Linked Classification Criteria (2023). Collection method: clinical testing. Allele origin: unknown.
Comment: NM_001142800.1(EYS):c.7921A>T(K2641*) is expected to be pathogenic in the context of retinitis pigmentosa, EYS-related. This variant is predicted to lead to an abnormal or absent protein product due to the creation of a premature termination codon in EYS, a gene where loss-of-function variants are known to be pathogenic. Please note: this variant was assessed in the context of healthy population screening.

Labcorp Genetics (formerly Invitae), Labcorp
Classification: Pathogenic. Last evaluated: 2024-02-18. Review status: criteria provided, single submitter. Criteria: Invitae Variant Classification Sherloc (09022015). Collection method: clinical testing. Allele origin: germline.
Comment: This sequence change creates a premature translational stop signal (p.Lys2641*) in the EYS gene. It is expected to result in an absent or disrupted protein product. Loss-of-function variants in EYS are known to be pathogenic (PMID: 18836446, 20333770). This variant is not present in population databases (gnomAD no frequency). This variant has not been reported in the literature in individuals affected with EYS-related conditions. For these reasons, this variant has been classified as Pathogenic.

Baylor Genetics
Classification: Likely pathogenic for Retinitis pigmentosa 25. Last evaluated: 2023-06-25. Review status: criteria provided, single submitter. Criteria: ACMG Guidelines, 2015. Collection method: clinical testing. Allele origin: unknown.

Literature cited by the submitters: PubMed 18836446 (cited by Labcorp Genetics (formerly Invitae), Labcorp); PubMed 20333770 (cited by Labcorp Genetics (formerly Invitae), Labcorp).